The following is an entry in ClinVar:

NM_000535.7(PMS2):c.1435C>T (p.His479Tyr)

Gene: PMS2 (PMS1 homolog 2, mismatch repair system component; minus strand). Cytogenetic location: 7p22.1.
Variant type: single nucleotide variant.
Coding change: c.1435C>T on transcript NM_000535.7 (MANE Select); coding-DNA position 1435, C replaced by T.
Protein change: p.His479Tyr; replaces histidine 479 with tyrosine.
Molecular consequence: missense variant. On other transcripts: non-coding transcript variant (1).
Genome position (GRCh38, 1-based): chr7:5,987,330, G>A on the plus strand (C>T on the coding strand, the complement: PMS2 is on the minus strand). VCF-style: chr7-5987330-G-A. GRCh37 (hg19) VCF-style: chr7-6026961-G-A.
Other names: c.1030C>T, p.His344Tyr (NM_001322003.2, NM_001322004.2, NM_001322005.2 and 1 more transcripts); c.1279C>T, p.His427Tyr (NM_001322006.2); c.1117C>T, p.His373Tyr (NM_001322007.2, NM_001322008.2); c.874C>T, p.His292Tyr (NM_001322010.2); c.502C>T, p.His168Tyr (NM_001322011.2, NM_001322012.2); c.862C>T, p.His288Tyr (NM_001322013.2); c.1435C>T, p.His479Tyr (NM_001322014.2); c.1126C>T, p.His376Tyr (NM_001322015.2); short protein forms H479Y, H373Y, H376Y, H344Y, H427Y, H288Y, H292Y, H168Y.
Identifiers: ClinVar variation 573659 (VCV000573659.16), dbSNP rs376344586, ClinGen allele CA366741994.

ClinVar aggregate classification (germline): Conflicting classifications of pathogenicity. Review status: criteria provided, conflicting classifications (1 of 4 stars). 2 submissions from 2 submitters: Uncertain significance (1); Likely benign (1). Last evaluated 2025-10-24.

Conditions:
Hereditary nonpolyposis colorectal neoplasms. Identifiers: MedGen C0009405, MeSH D003123.
Hereditary cancer-predisposing syndrome. Also called: Neoplastic Syndromes, Hereditary; Hereditary Cancer Syndrome; Tumor predisposition; Hereditary neoplastic syndrome. Identifiers: Orphanet 140162, MedGen C0027672, MeSH D009386, MONDO:0015356.

gnomAD v4.1: 1 of 1,614,124 alleles (0.000062%); highest among the groups gnomAD compares: Admixed American, 0.0017%; no homozygotes.

Submissions (2):

Ambry Genetics
Classification: Likely benign for Hereditary cancer-predisposing syndrome. Last evaluated: 2025-10-24. Review status: criteria provided, single submitter. Criteria: Ambry Variant Classification Scheme 2023. Collection method: clinical testing. Allele origin: germline.

Labcorp Genetics (formerly Invitae), Labcorp
Classification: Uncertain significance for Hereditary nonpolyposis colorectal neoplasms. Last evaluated: 2020-12-02. Review status: criteria provided, single submitter. Criteria: Invitae Variant Classification Sherloc (09022015). Collection method: clinical testing. Allele origin: germline.
Comment: Algorithms developed to predict the effect of missense changes on protein structure and function (SIFT, PolyPhen-2, Align-GVGD) all suggest that this variant is likely to be tolerated, but these predictions have not been confirmed by published functional studies and their clinical significance is uncertain. In summary, the available evidence is currently insufficient to determine the role of this variant in disease. Therefore, it has been classified as a Variant of Uncertain Significance. This variant has not been reported in the literature in individuals with PMS2-related disease. This variant is not present in population databases (ExAC no frequency). This sequence change replaces histidine with tyrosine at codon 479 of the PMS2 protein (p.His479Tyr). The histidine residue is weakly conserved and there is a moderate physicochemical difference between histidine and tyrosine.